The following is an entry in ClinVar:

ClinVar aggregate classification (germline): Likely benign. Review status: criteria provided, multiple submitters, no conflicts (2 of 4 stars). 2 submissions from 2 submitters: Likely benign (2). Last evaluated 2018-06-16.

Allele frequency attached by ClinVar (database versions not stated): gnomAD exomes 0.00165; gnomAD 0.00868 and 0.00926; 1000 Genomes Project 0.00879; 1000 Genomes Project 30x 0.00999; TOPMed 0.01002.
gnomAD v4.1: 3,523 of 1,431,470 alleles (0.25%); highest among the groups gnomAD compares: African/African-American, 2.6%; 31 homozygotes.

Submissions (2):

GeneDx
Classification: Likely benign. Last evaluated: 2018-06-16. Review status: criteria provided, single submitter. Criteria: GeneDx Variant Classification (06012015). Collection method: clinical testing. Allele origin: germline. Affected: yes.
Comment: This variant is considered likely benign or benign based on one or more of the following criteria: it is a conservative change, it occurs at a poorly conserved position in the protein, it is predicted to be benign by multiple in silico algorithms, and/or has population frequency not consistent with disease.

Breakthrough Genomics
Classification: Likely benign. Review status: criteria provided, single submitter. Criteria: ACMG Guidelines, 2015. Collection method: not provided. Allele origin: germline. Inheritance: Autosomal recessive inheritance. Affected: yes.

NM_080680.3(COL11A2):c.1285-58A>G

Gene: COL11A2 (collagen type XI alpha 2 chain; minus strand). Cytogenetic location: 6p21.32.
Variant type: single nucleotide variant.
Coding change: c.1285-58A>G on transcript NM_080680.3 (MANE Select); 58 bases into the intron before coding-DNA position 1285, A replaced by G.
Molecular consequence: intron variant.
Genome position (GRCh38, 1-based): chr6:33,180,390, T>C on the plus strand (A>G on the coding strand, the complement: COL11A2 is on the minus strand). VCF-style: chr6-33180390-T-C. GRCh37 (hg19) VCF-style: chr6-33148167-T-C.
Other names: c.964-58A>G (NM_080679.3); c.1027-58A>G (NM_080681.3).
Identifiers: ClinVar variation 676750 (VCV000676750.2), dbSNP rs115849873, ClinGen allele CA137052043.